The following is an entry in ClinVar:

ClinVar aggregate classification (germline): Likely benign (1 of 4 stars; one submission).

gnomAD v4.1: 486 of 152,304 alleles (0.32%); highest among the groups gnomAD compares: African/African-American, 1.1%; no homozygotes.

Submission:

CeGaT Center for Human Genetics Tuebingen
Classification: Likely benign. Last evaluated: 2026-04-01. Review status: criteria provided, single submitter. Criteria: CeGaT Center For Human Genetics Tuebingen Variant Classification Criteria Version 2. Collection method: clinical testing. Allele origin: germline. Affected: yes. Observed: 1 variant allele.
Comment: MFF: BP4, BS1

NM_001277062.2(MFF):c.600-1578T>A

Gene: MFF (mitochondrial fission factor; plus strand). Cytogenetic location: 2q36.3.
Variant type: single nucleotide variant.
Coding change: c.600-1578T>A on transcript NM_001277062.2 (MANE Select); 1578 bases into the intron before coding-DNA position 600, T replaced by A.
Molecular consequence: intron variant.
Genome position (GRCh38, 1-based): chr2:227,350,936, T>A. VCF-style: chr2-227350936-T-A. GRCh37 (hg19) VCF-style: chr2-228215652-T-A.
Other names: c.753-1578T>A (NM_001277061.2, NM_020194.5); c.516-4741T>A (NM_001277063.2); c.441-1578T>A (NM_001277064.2); c.441-4741T>A (NM_001277065.2, NM_001277066.2); c.449+3552T>A (NM_001277067.1); c.483-1578T>A (NM_001277068.1).
Identifiers: ClinVar variation 4874263 (VCV004874263.2).